The following is an entry in ClinVar:

ClinVar aggregate classification (germline): Benign/Likely benign. Review status: criteria provided, multiple submitters, no conflicts (2 of 4 stars). 4 submissions from 4 submitters: Benign (1); Likely benign (3). Last evaluated 2025-08-11.

Conditions:
Hereditary cancer-predisposing syndrome. Also called: Neoplastic Syndromes, Hereditary; Hereditary Cancer Syndrome; Tumor predisposition; Hereditary neoplastic syndrome. Identifiers: Orphanet 140162, MedGen C0027672, MeSH D009386, MONDO:0015356.
Oligodontia-cancer predisposition syndrome. Also called: TOOTH AGENESIS-COLORECTAL CANCER SYNDROME. Identifiers: Orphanet 300576, MedGen C1837750, MONDO:0012075, OMIM 608615. Disease mechanism: loss of function.

Allele frequency attached by ClinVar (database versions not stated): TOPMed 0.00002.
gnomAD v4.1: 1 of 1,583,456 alleles (0.000063%); highest among the groups gnomAD compares: South Asian, 0.0011%; no homozygotes.

Submissions (4):

Labcorp Genetics (formerly Invitae), Labcorp
Classification: Likely benign for Oligodontia-cancer predisposition syndrome. Last evaluated: 2025-08-11. Review status: criteria provided, single submitter. Criteria: Invitae Variant Classification Sherloc (09022015). Collection method: clinical testing. Allele origin: germline.

Myriad Genetics, Inc.
Classification: Benign for Oligodontia-cancer predisposition syndrome. Last evaluated: 2024-07-02. Review status: criteria provided, single submitter. Criteria: Myriad Autosomal Dominant, Autosomal Recessive and X-Linked Classification Criteria (2023). Collection method: clinical testing. Allele origin: unknown.
Comment: This variant is considered benign. This variant is a silent/synonymous amino acid change and it is not expected to impact splicing.

Ambry Genetics
Classification: Likely benign for Hereditary cancer-predisposing syndrome. Last evaluated: 2020-03-16. Review status: criteria provided, single submitter. Criteria: Ambry Variant Classification Scheme 2023. Collection method: clinical testing. Allele origin: germline.

GeneDx
Classification: Likely benign. Last evaluated: 2020-02-11. Review status: criteria provided, single submitter. Criteria: GeneDx Variant Classification Process June 2021. Collection method: clinical testing. Allele origin: germline. Affected: yes.

NM_004655.4(AXIN2):c.1275A>G (p.Leu425=)

Gene: AXIN2 (axin 2; minus strand). Cytogenetic location: 17q24.1.
Variant type: single nucleotide variant.
Coding change: c.1275A>G on transcript NM_004655.4 (MANE Select); coding-DNA position 1275, A replaced by G.
Protein change: p.Leu425=; no amino-acid change (leucine 425 retained).
Molecular consequence: synonymous variant.
Genome position (GRCh38, 1-based): chr17:65,537,761, T>C on the plus strand (A>G on the coding strand, the complement: AXIN2 is on the minus strand). VCF-style: chr17-65537761-T-C. GRCh37 (hg19) VCF-style: chr17-63533879-T-C.
Other names: c.1275A>G (LRG_296t1); c.1275A>G, p.Leu425= (NM_001363813.1).
Identifiers: ClinVar variation 391938 (VCV000391938.15), dbSNP rs758219268, ClinGen allele CA8718688.